The following is an entry in ClinVar:

ClinVar aggregate classification (germline): Uncertain significance (1 of 4 stars; one submission).

Conditions:
Cardiovascular phenotype. Identifiers: MedGen CN230736.

Allele frequency attached by ClinVar (database versions not stated): gnomAD exomes below 0.00001; gnomAD 0.00001; TOPMed 0.00001.

Submission:

Ambry Genetics
Classification: Uncertain significance for Cardiovascular phenotype. Last evaluated: 2019-01-17. Review status: criteria provided, single submitter. Criteria: Ambry Variant Classification Scheme 2023. Collection method: clinical testing. Allele origin: germline.
Comment: The p.P16230T variant (also known as c.48688C>A), located in coding exon 153 of the TTN gene, results from a C to A substitution at nucleotide position 48688. The proline at codon 16230 is replaced by threonine, an amino acid with highly similar properties. This amino acid position is not well conserved in available vertebrate species. In addition, this alteration is predicted to be tolerated by in silico analysis. Since supporting evidence is limited at this time, the clinical significance of this alteration remains unclear.

NM_001267550.2(TTN):c.75883C>A (p.Pro25295Thr)

Genes: TTN-AS1 (TTN antisense RNA 1; plus strand), TTN (titin; minus strand). Cytogenetic location: 2q31.2.
Variant type: single nucleotide variant.
Coding change: c.75883C>A on transcript NM_001267550.2 (MANE Select); coding-DNA position 75883, C replaced by A.
Protein change: p.Pro25295Thr; replaces proline 25295 with threonine.
Molecular consequence: missense variant.
Genome position (GRCh38, 1-based): chr2:178,570,249, G>T on the plus strand (C>A on the coding strand, the complement: TTN is on the minus strand). VCF-style: chr2-178570249-G-T. GRCh37 (hg19) VCF-style: chr2-179434976-G-T.
Other names: c.70960C>A, p.Pro23654Thr (NM_001256850.1); c.48688C>A, p.Pro16230Thr (NM_003319.4); c.68179C>A, p.Pro22727Thr (NM_133378.4); c.49063C>A, p.Pro16355Thr (NM_133432.3); c.49264C>A, p.Pro16422Thr (NM_133437.4); short protein forms P16355T, P16422T, P22727T, P23654T, P16230T, P25295T.
Identifiers: ClinVar variation 1743674 (VCV001743674.2), dbSNP rs1487092042, ClinGen allele CA349619260.